The following is an entry in ClinVar:

ClinVar aggregate classification (germline): Uncertain significance (1 of 4 stars; one submission).

Submission:

Labcorp Genetics (formerly Invitae), Labcorp
Classification: Uncertain significance. Last evaluated: 2023-11-01. Review status: criteria provided, single submitter. Criteria: Invitae Variant Classification Sherloc (09022015). Collection method: clinical testing. Allele origin: germline.
Comment: This sequence change replaces arginine, which is basic and polar, with threonine, which is neutral and polar, at codon 286 of the COL4A1 protein (p.Arg286Thr). This variant is not present in population databases (gnomAD no frequency). This variant has not been reported in the literature in individuals affected with COL4A1-related conditions. Experimental studies and prediction algorithms are not available or were not evaluated, and the functional significance of this variant is currently unknown. In summary, the available evidence is currently insufficient to determine the role of this variant in disease. Therefore, it has been classified as a Variant of Uncertain Significance.

NM_001845.6(COL4A1):c.857G>C (p.Arg286Thr)

Gene: COL4A1 (collagen type IV alpha 1 chain; minus strand). Cytogenetic location: 13q34.
Variant type: single nucleotide variant.
Coding change: c.857G>C on transcript NM_001845.6 (MANE Select); coding-DNA position 857, G replaced by C.
Protein change: p.Arg286Thr; replaces arginine 286 with threonine.
Molecular consequence: missense variant.
Genome position (GRCh38, 1-based): chr13:110,206,666, C>G on the plus strand (G>C on the coding strand, the complement: COL4A1 is on the minus strand). VCF-style: chr13-110206666-C-G. GRCh37 (hg19) VCF-style: chr13-110859013-C-G.
Other names: c.857G>C, p.Arg286Thr (NM_001303110.2); short protein forms R286T.
Identifiers: ClinVar variation 2773227 (VCV002773227.3), dbSNP rs758296047, ClinGen allele CA388724837.
Genomic context (GRCh38, chr13:110,206,666, plus strand): 5'-CGATTTTCCGCATGGAAGGAGAATTGTTTTATGATAAAAGGACTTTGGAAAGCACTTACT[C>G]TGGGTCCTGGTTTTCCGGGTTCACCTTTCTCTCCGACCCCTGGCATCCCCTTAAAGGAAT-3'
Protein context (NP_001836.3, residues 276-296): EKGEPGKPGP[Arg286Thr]GKPGKDGDKG